The following is an entry in ClinVar:

NM_003482.4(KMT2D):c.10877G>A (p.Arg3626Gln)

Gene: KMT2D (lysine methyltransferase 2D; minus strand). Cytogenetic location: 12q13.12.
Variant type: single nucleotide variant.
Coding change: c.10877G>A on transcript NM_003482.4 (MANE Select); coding-DNA position 10877, G replaced by A.
Protein change: p.Arg3626Gln; replaces arginine 3626 with glutamine.
Molecular consequence: missense variant.
Genome position (GRCh38, 1-based): chr12:49,033,828, C>T on the plus strand (G>A on the coding strand, the complement: KMT2D is on the minus strand). VCF-style: chr12-49033828-C-T. GRCh37 (hg19) VCF-style: chr12-49427611-C-T.
Other names: short protein forms R3626Q.
Identifiers: ClinVar variation 2174188 (VCV002174188.4), dbSNP rs561903173, ClinGen allele CA6546409.

ClinVar aggregate classification (germline): Uncertain significance (1 of 4 stars; one submission).

Conditions:
Kabuki syndrome. Also called: NIIKAWA-KUROKI SYNDROME; Kabuki make-up syndrome. Identifiers: Orphanet 2322, MedGen C0796004, MONDO:0016512.

Allele frequency attached by ClinVar (database versions not stated): gnomAD 0.00001; gnomAD exomes 0.00001; ExAC 0.00002; TOPMed 0.00002; 1000 Genomes Project 0.00020; 1000 Genomes Project 30x 0.00031.
gnomAD v4.1: 22 of 1,580,020 alleles (0.0014%); highest among the groups gnomAD compares: African/African-American, 0.0027%; no homozygotes.

Submission:

Labcorp Genetics (formerly Invitae), Labcorp
Classification: Uncertain significance for Kabuki syndrome. Last evaluated: 2026-01-02. Review status: criteria provided, single submitter. Criteria: Invitae Variant Classification Sherloc (09022015). Collection method: clinical testing. Allele origin: germline.
Comment: This sequence change replaces arginine, which is basic and polar, with glutamine, which is neutral and polar, at codon 3626 of the KMT2D protein (p.Arg3626Gln). The frequency data for this variant in the population databases is considered unreliable, as metrics indicate poor data quality at this position in the gnomAD database. This variant has not been reported in the literature in individuals affected with KMT2D-related conditions. ClinVar contains an entry for this variant (Variation ID: 2174188). Invitae Evidence Modeling of protein sequence and biophysical properties (such as structural, functional, and spatial information, amino acid conservation, physicochemical variation, residue mobility, and thermodynamic stability) indicates that this missense variant is not expected to disrupt KMT2D protein function with a negative predictive value of 95%. In summary, the available evidence is currently insufficient to determine the role of this variant in disease. Therefore, it has been classified as a Variant of Uncertain Significance.